The following is an entry in ClinVar:

NM_001291303.3(FAT4):c.1642A>G (p.Ile548Val)

Gene: FAT4 (FAT atypical cadherin 4; plus strand). Cytogenetic location: 4q28.1.
Variant type: single nucleotide variant.
Coding change: c.1642A>G on transcript NM_001291303.3 (MANE Select); coding-DNA position 1642, A replaced by G.
Protein change: p.Ile548Val; replaces isoleucine 548 with valine.
Molecular consequence: missense variant.
Genome position (GRCh38, 1-based): chr4:125,318,053, A>G. VCF-style: chr4-125318053-A-G. GRCh37 (hg19) VCF-style: chr4-126239208-A-G.
Other names: c.1642A>G, p.Ile548Val (NM_001291285.3, NM_024582.6); short protein forms I548V.
Identifiers: ClinVar variation 1495709 (VCV001495709.3), dbSNP rs1373319772, ClinGen allele CA358118337.

ClinVar aggregate classification (germline): Uncertain significance (1 of 4 stars; one submission).

Allele frequency attached by ClinVar (database versions not stated): gnomAD 0.00001; gnomAD exomes 0.00001.
gnomAD v4.1: 16 of 1,613,970 alleles (0.00099%); highest among the groups gnomAD compares: Middle Eastern, 0.033%; no homozygotes.

Submission:

Labcorp Genetics (formerly Invitae), Labcorp
Classification: Uncertain significance. Last evaluated: 2022-10-14. Review status: criteria provided, single submitter. Criteria: Invitae Variant Classification Sherloc (09022015). Collection method: clinical testing. Allele origin: germline.
Comment: This sequence change replaces isoleucine, which is neutral and non-polar, with valine, which is neutral and non-polar, at codon 548 of the FAT4 protein (p.Ile548Val). This variant is present in population databases (no rsID available, gnomAD 0.0009%). This variant has not been reported in the literature in individuals affected with FAT4-related conditions. ClinVar contains an entry for this variant (Variation ID: 1495709). Advanced modeling of protein sequence and biophysical properties (such as structural, functional, and spatial information, amino acid conservation, physicochemical variation, residue mobility, and thermodynamic stability) performed at Invitae indicates that this missense variant is not expected to disrupt FAT4 protein function. In summary, the available evidence is currently insufficient to determine the role of this variant in disease. Therefore, it has been classified as a Variant of Uncertain Significance.